The following is an entry in ClinVar:

ClinVar aggregate classification (germline): Uncertain significance (1 of 4 stars; one submission).

Conditions:
Bardet-Biedl syndrome (BBS). Identifiers: Orphanet 110, MedGen C0752166, MONDO:0015229.

Allele frequency attached by ClinVar (database versions not stated): gnomAD exomes below 0.00001.
gnomAD v4.1: 1 of 1,613,872 alleles (0.000062%); highest among the groups gnomAD compares: Admixed American, 0.0017%; no homozygotes.

Submission:

Labcorp Genetics (formerly Invitae), Labcorp
Classification: Uncertain significance for Bardet-Biedl syndrome. Last evaluated: 2024-02-24. Review status: criteria provided, single submitter. Criteria: Invitae Variant Classification Sherloc (09022015). Collection method: clinical testing. Allele origin: germline.
Comment: This sequence change replaces leucine, which is neutral and non-polar, with phenylalanine, which is neutral and non-polar, at codon 514 of the BBS2 protein (p.Leu514Phe). This variant is not present in population databases (gnomAD no frequency). This variant has not been reported in the literature in individuals affected with BBS2-related conditions. ClinVar contains an entry for this variant (Variation ID: 2158934). Advanced modeling of protein sequence and biophysical properties (such as structural, functional, and spatial information, amino acid conservation, physicochemical variation, residue mobility, and thermodynamic stability) performed at Invitae indicates that this missense variant is not expected to disrupt BBS2 protein function with a negative predictive value of 80%. In summary, the available evidence is currently insufficient to determine the role of this variant in disease. Therefore, it has been classified as a Variant of Uncertain Significance.

NM_031885.5(BBS2):c.1540C>T (p.Leu514Phe)

Gene: BBS2 (Bardet-Biedl syndrome 2; minus strand). Cytogenetic location: 16q13.
Variant type: single nucleotide variant.
Coding change: c.1540C>T on transcript NM_031885.5 (MANE Select); coding-DNA position 1540, C replaced by T.
Protein change: p.Leu514Phe; replaces leucine 514 with phenylalanine.
Molecular consequence: missense variant. On other transcripts: non-coding transcript variant (5).
Genome position (GRCh38, 1-based): chr16:56,498,556, G>A on the plus strand (C>T on the coding strand, the complement: BBS2 is on the minus strand). VCF-style: chr16-56498556-G-A. GRCh37 (hg19) VCF-style: chr16-56532468-G-A.
Other names: c.1540C>T, p.Leu514Phe (NM_001377456.1); short protein forms L514F.
Identifiers: ClinVar variation 2158934 (VCV002158934.4), dbSNP rs2543700655, ClinGen allele CA395977143.